The following is an entry in ClinVar:

NM_001377229.1(DISP1):c.2042A>G (p.Lys681Arg)

Gene: DISP1 (dispatched RND transporter family member 1; plus strand). Cytogenetic location: 1q41.
Variant type: single nucleotide variant.
Coding change: c.2042A>G on transcript NM_001377229.1 (MANE Select); coding-DNA position 2042, A replaced by G.
Protein change: p.Lys681Arg; replaces lysine 681 with arginine.
Molecular consequence: missense variant.
Genome position (GRCh38, 1-based): chr1:223,003,439, A>G. VCF-style: chr1-223003439-A-G. GRCh37 (hg19) VCF-style: chr1-223176781-A-G.
Other names: c.1313A>G, p.Lys438Arg (NM_001350630.2); c.2042A>G, p.Lys681Arg (NM_001369594.1, NM_001377228.1, NM_032890.5); short protein forms K438R, K681R.
Identifiers: ClinVar variation 4811658 (VCV004811658.1).
Genomic context (GRCh38, chr1:223,003,439, plus strand): 5'-GGTATCTTCTTAATATATTCACTTGCTTCAAAAAGCCCCAGCAGCAAATATATGATAACA[A>G]AAGCTGCTGGACAGTGGCTTGCCAGAAGTGCCACAAAGTACTCTTTGCCATTTCAGAAGC-3'
Protein context (NP_001364158.1, residues 671-691): KKPQQQIYDN[Lys681Arg]SCWTVACQKC

ClinVar aggregate classification (germline): Uncertain significance (1 of 4 stars; one submission).

gnomAD v4.1: 4 of 1,614,160 alleles (0.00025%); highest among the groups gnomAD compares: Non-Finnish European, 0.00034%; no homozygotes.

Submission:

Labcorp Genetics (formerly Invitae), Labcorp
Classification: Uncertain significance. Last evaluated: 2025-09-27. Review status: criteria provided, single submitter. Criteria: Invitae Variant Classification Sherloc (09022015). Collection method: clinical testing. Allele origin: germline.
Comment: This sequence change replaces lysine, which is basic and polar, with arginine, which is basic and polar, at codon 681 of the DISP1 protein (p.Lys681Arg). This variant is present in population databases (rs751327025, gnomAD 0.0009%). This variant has not been reported in the literature in individuals affected with DISP1-related conditions. An algorithm developed to predict the effect of missense changes on protein structure and function (PolyPhen-2) suggests that this variant is likely to be tolerated. In summary, the available evidence is currently insufficient to determine the role of this variant in disease. Therefore, it has been classified as a Variant of Uncertain Significance.